The following is an entry in ClinVar:

NC_012920.1(MT-TQ):m.4332G>A

Gene: MT-TQ (mitochondrially encoded tRNA glutamine; minus strand).
Variant type: single nucleotide variant.
Genome position: chrM-4332-G-A.
Other names: 4332G-A.
Identifiers: ClinVar variation 9616 (VCV000009616.5), dbSNP rs199476141, ClinGen allele CA254844.
Genomic context (GRCh38, chrMT:4,332, plus strand): 5'-TCTGATAAAAGAGTTACTTTGATAGAGTAAATAATAGGAGCTTAAACCCCCTTATTTCTA[G>A]GACTATGAGAATCGAACCCATCCCTGAGAATCCAAAATTCTCCGTGCCACCTATCACACC-3'

ClinVar aggregate classification (germline): Uncertain significance. Review status: reviewed by expert panel (3 of 4 stars). 4 submissions from 4 submitters: Uncertain significance (1). 3 of the submissions do not count toward it. Last evaluated 2023-01-23.

Conditions:
MT-TQ-related myopathy.
Mitochondrial disease. Also called: Mitochondrial disorder; Mitochondrial disorders. Identifiers: Orphanet 68380, MedGen C0751651, MeSH D028361, MONDO:0044970.
MELAS syndrome (MELAS). Also called: Juvenile myopathy, encephalopathy, lactic acidosis, stroke. Identifiers: Orphanet 550, MedGen C0162671, MONDO:0010789, OMIM 540000.

Submissions (4):

ClinGen Mitochondrial Disease Nuclear and Mitochondrial  Variant Curation Expert Panel, ClinGen
Classification: Uncertain significance for Mitochondrial disease. Last evaluated: 2023-01-23. Review status: reviewed by expert panel. Criteria: McCormick et al. (Hum Mutat. 2020). Collection method: curation. Allele origin: germline. Inheritance: Mitochondrial inheritance.
Comment: Muscle biopsy showed ragged red fibers and COX-deficient fibers, along with decreased activity of respiratory chain complex IV. The variant was present at 81% in muscle and undetectable in fibroblasts and skin. There are no large families reported in the medical literature to consider for evidence of segregation. Of note, there is another individual reported with MELAS and this variant, however insufficient clinical details were provided to include this case for consideration for this variant curation (PMID: 20064630). The computational predictor MitoTIP suggests this variant impacts the function of this tRNA (81st percentile) as does HmtVar with a score of 0.7 (PP3). This variant is absent in the GenBank dataset, Helix dataset, and gnomAD v3.1.2 (PM2_supporting). Single fiber testing showed higher levels of heteroplasmy in COX-negative fibers (mean 99.3% and ranging from 98.8-99.7%, n=13) than in COX-positive fibers (mean 70.5% and ranging from 46.5-94.5%, n=11; p=0.002; PMID: 11335700; PS3_supporting). In summary, this variant meets criteria to be classified as uncertain significance for primary mitochondrial disease inherited in a mitochondrial manner. This classification was approved by the NICHD/NINDS U24 ClinGen Mitochondrial Disease Variant Curation Expert Panel on January 23, 2023. Mitochondrial DNA-specific ACMG/AMP criteria applied (PMID: 32906214): PM2_supporting, PP3, PS3_supporting.

Undiagnosed Diseases Network, NIH
Classification: Pathogenic for MT-TQ-related myopathy. Last evaluated: 2024-07-30. Review status: criteria provided, single submitter. Criteria: ACMG Guidelines, 2015. Collection method: clinical testing. Allele origin: maternal. Affected: yes. Study: Undiagnosed Diseases Network (NIH), UDN. Not counted in ClinVar's aggregate classification.

OMIM
Classification: Pathogenic for MELAS SYNDROME. Last evaluated: 2001-02-13. Review status: no assertion criteria provided. Collection method: literature only. Allele origin: germline. Not counted in ClinVar's aggregate classification.

GeneReviews
No classification provided. Condition: MELAS syndrome. Review status: no classification provided. Collection method: literature only. Allele origin: maternal. Not counted in ClinVar's aggregate classification.

Literature cited by the submitters: PubMed 11335700 (cited by ClinGen Mitochondrial Disease Nuclear and Mitochondrial  Variant Curation Expert Panel, ClinGen); PubMed 11171912 (cited by 3 submitters).